The following is an entry in ClinVar:

NM_024649.5(BBS1):c.127C>G (p.Leu43Val)

Gene: BBS1 (Bardet-Biedl syndrome 1; plus strand). Cytogenetic location: 11q13.2.
Variant type: single nucleotide variant.
Coding change: c.127C>G on transcript NM_024649.5 (MANE Select); coding-DNA position 127, C replaced by G.
Protein change: p.Leu43Val; replaces leucine 43 with valine.
Molecular consequence: missense variant.
Genome position (GRCh38, 1-based): chr11:66,511,207, C>G. VCF-style: chr11-66511207-C-G. GRCh37 (hg19) VCF-style: chr11-66278678-C-G.
Other names: c.127C>G (NM_024649.4); short protein forms L43V.
Identifiers: ClinVar variation 1338202 (VCV001338202.5), dbSNP rs1855936862, ClinGen allele CA381453983.

ClinVar aggregate classification (germline): Uncertain significance. Review status: criteria provided, single submitter (1 of 4 stars). 2 submissions from 2 submitters: Uncertain significance (1). 1 of the submissions does not count toward it. Last evaluated 2021-12-20.

Conditions:
BBS1-related disorder. Also called: BBS1-related condition.

Allele frequency attached by ClinVar (database versions not stated): gnomAD 0.00001.
gnomAD v4.1: 1 of 1,613,910 alleles (0.000062%); highest among the groups gnomAD compares: African/African-American, 0.0013%; no homozygotes.

Submissions (2):

Genetic Services Laboratory, University of Chicago
Classification: Uncertain significance. Last evaluated: 2021-12-20. Review status: criteria provided, single submitter. Criteria: ACMG Guidelines, 2015. Collection method: clinical testing. Allele origin: germline. Affected: no.
Comment: DNA sequence analysis of the BBS1 gene demonstrated a sequence change, c.127C>G, in exon 3 that results in an amino acid change, p.Leu43Val. This sequence change does not appear to have been previously described in individuals with BBS1-related disorders and has also not been described in population databases such as ExAC and gnomAD. The p.Leu43Val change affects a highly conserved amino acid residue located in a domain of the BBS1 protein that is not known to be functional. In-silico pathogenicity prediction tools (SIFT, PolyPhen2, Align GVGD, REVEL) provide contradictory results for the p.Leu43Val substitution. Due to insufficient evidences and the lack of functional studies, the clinical significance of the p.Leu43Val change remains unknown at this time.

PreventionGenetics, part of Exact Sciences
Classification: Uncertain significance for BBS1-related condition. Last evaluated: 2024-05-08. Review status: no assertion criteria provided. Collection method: clinical testing. Allele origin: germline. Not counted in ClinVar's aggregate classification.
Comment: The BBS1 c.127C>G variant is predicted to result in the amino acid substitution p.Leu43Val. To our knowledge, this variant has not been reported in the literature or in a large population database, indicating this variant is rare. At this time, the clinical significance of this variant is uncertain due to the absence of conclusive functional and genetic evidence.